The following is an entry in ClinVar:

NM_003482.4(KMT2D):c.4111G>A (p.Asp1371Asn)

Gene: KMT2D (lysine methyltransferase 2D; minus strand). Cytogenetic location: 12q13.12.
Variant type: single nucleotide variant.
Coding change: c.4111G>A on transcript NM_003482.4 (MANE Select); coding-DNA position 4111, G replaced by A.
Protein change: p.Asp1371Asn; replaces aspartic acid 1371 with asparagine.
Molecular consequence: missense variant.
Genome position (GRCh38, 1-based): chr12:49,048,679, C>T on the plus strand (G>A on the coding strand, the complement: KMT2D is on the minus strand). VCF-style: chr12-49048679-C-T. GRCh37 (hg19) VCF-style: chr12-49442462-C-T.
Other names: short protein forms D1371N.
Identifiers: ClinVar variation 2307888 (VCV002307888.2), dbSNP rs2120624827, ClinGen allele CA384650305.

ClinVar aggregate classification (germline): Uncertain significance (1 of 4 stars; one submission).

Conditions:
Inborn genetic diseases. Identifiers: MedGen C0950123, MeSH D030342.

Submission:

Ambry Genetics
Classification: Uncertain significance for Inborn genetic diseases. Last evaluated: 2022-09-30. Review status: criteria provided, single submitter. Criteria: Ambry Variant Classification Scheme 2023. Collection method: clinical testing. Allele origin: germline.
Comment: The c.4111G>A (p.D1371N) alteration is located in exon 13 (coding exon 13) of the KMT2D gene. This alteration results from a G to A substitution at nucleotide position 4111, causing the aspartic acid (D) at amino acid position 1371 to be replaced by an asparagine (N). This variant was not reported in population-based cohorts in the Genome Aggregation Database (gnomAD). This amino acid position is highly conserved in available vertebrate species. This missense alteration is located in a region that has a low rate of benign missense variation (Lek, 2016; Firth, 2009). This alteration is predicted to be tolerated by in silico analysis. Based on insufficient or conflicting evidence, the clinical significance of this alteration remains unclear.